The following is an entry in ClinVar:

ClinVar aggregate classification (germline): Uncertain significance. Review status: criteria provided, multiple submitters, no conflicts (2 of 4 stars). 2 submissions from 2 submitters: Uncertain significance (2). Last evaluated 2026-03-10.

Submissions (2):

Dasa
Classification: Uncertain significance. Last evaluated: 2026-03-10. Review status: criteria provided, single submitter. Criteria: DASA Assertion Criteria. Collection method: clinical testing. Allele origin: germline.
Comment: NM_001365088.1(SLC12A6):c.1101T>G (p.Phe367Leu) is a missense variant that results in the substitution of phenylalanine with leucine. This variant is rare in population databases. The currently available literature and clinical evidence are not sufficient to establish a definitive association between this variant and the reported condition. Therefore, this variant is classified as a variant of uncertain significance.

Revvity Omics, Revvity
Classification: Uncertain significance. Last evaluated: 2023-06-16. Review status: criteria provided, single submitter. Criteria: ACMG Guidelines, 2015. Collection method: clinical testing. Allele origin: germline.

NM_001365088.1(SLC12A6):c.1101T>G (p.Phe367Leu)

Gene: SLC12A6 (solute carrier family 12 member 6; minus strand). Cytogenetic location: 15q14.
Variant type: single nucleotide variant.
Coding change: c.1101T>G on transcript NM_001365088.1 (MANE Select); coding-DNA position 1101, T replaced by G.
Protein change: p.Phe367Leu; replaces phenylalanine 367 with leucine.
Molecular consequence: missense variant.
Genome position (GRCh38, 1-based): chr15:34,254,365, A>C on the plus strand (T>G on the coding strand, the complement: SLC12A6 is on the minus strand). VCF-style: chr15-34254365-A-C. GRCh37 (hg19) VCF-style: chr15-34546566-A-C.
Other names: c.924T>G, p.Phe308Leu (NM_001042494.2, NM_001042495.2); c.1074T>G, p.Phe358Leu (NM_001042496.2); c.1056T>G, p.Phe352Leu (NM_001042497.2); c.948T>G, p.Phe316Leu (NM_005135.2); c.1101T>G, p.Phe367Leu (NM_133647.2); short protein forms F308L, F316L, F352L, F358L, F367L.
Identifiers: ClinVar variation 2689995 (VCV002689995.4), dbSNP rs2509816307, ClinGen allele CA391608495.
Genomic context (GRCh38, chr15:34,254,365, plus strand): 5'-TACTACCCAATAAGGATGGCTAGGCAGAGAGACAGACACGTACGGGAAGTGTGGAGGAGC[A>C]AAAGAAGACTTGATGGCTCCAGCATAGATGGCCAAGATGGACACAATGACACAGGCCAGG-3'
Protein context (NP_001352017.1, residues 357-377): AIYAGAIKSS[Phe367Leu]APPHFPVCML